The following is an entry in ClinVar:

NM_001165963.4(SCN1A):c.5963G>A (p.Arg1988Gln)

Genes: SCN1A (sodium voltage-gated channel alpha subunit 1; minus strand), LOC102724058 (uncharacterized LOC102724058; plus strand). Cytogenetic location: 2q24.3.
Variant type: single nucleotide variant.
Coding change: c.5963G>A on transcript NM_001165963.4 (MANE Select); coding-DNA position 5963, G replaced by A.
Protein change: p.Arg1988Gln; replaces arginine 1988 with glutamine.
Molecular consequence: missense variant. On other transcripts: non-coding transcript variant (1).
Genome position (GRCh38, 1-based): chr2:165,991,312, C>T on the plus strand (G>A on the coding strand, the complement: SCN1A is on the minus strand). VCF-style: chr2-165991312-C-T. GRCh37 (hg19) VCF-style: chr2-166847822-C-T.
Other names: c.5879G>A, p.Arg1960Gln (NM_001165964.3, NM_001353957.2, NM_001353958.2); c.5963G>A, p.Arg1988Gln (NM_001202435.3, NM_001353948.2); c.5930G>A, p.Arg1977Gln (NM_001353949.2, NM_001353950.2, NM_001353951.2 and 2 more transcripts); c.5927G>A, p.Arg1976Gln (NM_001353954.2, NM_001353955.2); c.5876G>A, p.Arg1959Gln (NM_001353960.2); c.3521G>A, p.Arg1174Gln (NM_001353961.2); c.5963G>A (NM_001165963.3); short protein forms R1977Q, R1988Q, R1174Q, R1959Q, R1960Q, R1976Q.
Identifiers: ClinVar variation 449138 (VCV000449138.14), dbSNP rs769477807, ClinGen allele CA1942622.

ClinVar aggregate classification (germline): Conflicting classifications of pathogenicity. Review status: criteria provided, conflicting classifications (1 of 4 stars). 3 submissions from 3 submitters: Uncertain significance (2); Likely benign (1). Last evaluated 2024-02-20.

Conditions:
Early-infantile DEE. Also called: Early infantile epileptic encephalopathy; Ohtahara syndrome; Early infantile epileptic encephalopathy with suppression bursts. Identifiers: Orphanet 1934, MedGen C0393706, MONDO:0800491.

Allele frequency attached by ClinVar (database versions not stated): gnomAD exomes 0.00001; TOPMed 0.00002; ExAC 0.00001; gnomAD 0.00001.
gnomAD v4.1: 28 of 1,613,284 alleles (0.0017%); highest among the groups gnomAD compares: East Asian, 0.0022%; no homozygotes.

Submissions (3):

Labcorp Genetics (formerly Invitae), Labcorp
Classification: Uncertain significance for Early-infantile DEE. Last evaluated: 2024-02-20. Review status: criteria provided, single submitter. Criteria: Invitae Variant Classification Sherloc (09022015). Collection method: clinical testing. Allele origin: germline.
Comment: This sequence change replaces arginine, which is basic and polar, with glutamine, which is neutral and polar, at codon 1988 of the SCN1A protein (p.Arg1988Gln). This variant is present in population databases (rs769477807, gnomAD 0.006%). This variant has not been reported in the literature in individuals affected with SCN1A-related conditions. ClinVar contains an entry for this variant (Variation ID: 449138). Advanced modeling of protein sequence and biophysical properties (such as structural, functional, and spatial information, amino acid conservation, physicochemical variation, residue mobility, and thermodynamic stability) performed at Invitae indicates that this missense variant is not expected to disrupt SCN1A protein function with a negative predictive value of 95%. This variant disrupts the p.Arg1988 amino acid residue in SCN1A. Other variant(s) that disrupt this residue have been determined to be pathogenic (PMID: 23708187, 35074891; Invitae). This suggests that this residue is clinically significant, and that variants that disrupt this residue are likely to be disease-causing. In summary, the available evidence is currently insufficient to determine the role of this variant in disease. Therefore, it has been classified as a Variant of Uncertain Significance.

Revvity Omics, Revvity
Classification: Uncertain significance. Last evaluated: 2022-10-13. Review status: criteria provided, single submitter. Criteria: ACMG Guidelines, 2015. Collection method: clinical testing. Allele origin: germline.

GeneDx
Classification: Likely benign. Last evaluated: 2019-06-18. Review status: criteria provided, single submitter. Criteria: GeneDx Variant Classification Process June 2021. Collection method: clinical testing. Allele origin: germline. Affected: yes.
Comment: The majority of missense variants in this gene are considered pathogenic (Stenson et al., 2014); In silico analysis, which includes protein predictors and evolutionary conservation, supports that this variant does not alter protein structure/function; In silico analysis, which includes splice predictors and evolutionary conservation, suggests this variant may impact gene splicing. In the absence of RNA/functional studies, the actual effect of this sequence change is unknown.; This substitution is predicted to be within the C-terminal cytoplasmic domain; Has not been previously published as pathogenic or benign to our knowledge; A different missense change at this residue (R1988W) has been reported in the published literature in an individual with epilepsy-aphasia and febrile seizures plus; however, functional characterization of the variant was not performed (Carvill et al., 2013).

Literature cited by the submitters: PubMed 23708187 (cited by Labcorp Genetics (formerly Invitae), Labcorp); PubMed 35074891 (cited by Labcorp Genetics (formerly Invitae), Labcorp).